The following is an entry in ClinVar:

ClinVar aggregate classification (germline): Pathogenic. Review status: criteria provided, multiple submitters, no conflicts (2 of 4 stars). 2 submissions from 2 submitters: Pathogenic (2). Last evaluated 2023-07-25.

Conditions:
Hereditary breast ovarian cancer syndrome. Also called: BRCA1- and BRCA2-Associated Hereditary Breast and Ovarian Cancer; Hereditary breast and/or ovarian cancer syndrome; Hereditary breast and ovarian cancer syndrome; Hereditary breast and ovarian cancer; Hereditary breast and ovarian cancer syndrome (HBOC); Breast and ovarian cancer. Identifiers: Orphanet 145, MedGen C0677776, MeSH D061325, MONDO:0003582. Disease mechanism: loss of function.
Breast-ovarian cancer, familial, susceptibility to, 2 (BROVCA2). Also called: BRCA2 Hereditary Breast and Ovarian Cancer. Identifiers: Orphanet 145, MedGen C2675520, MONDO:0012933, OMIM 612555. Disease mechanism: loss of function.

Submissions (2):

Myriad Genetics, Inc.
Classification: Pathogenic for Breast-ovarian cancer, familial, susceptibility to, 2. Last evaluated: 2023-07-25. Review status: criteria provided, single submitter. Criteria: Myriad Autosomal Dominant, Autosomal Recessive and X-Linked Classification Criteria (2023). Collection method: clinical testing. Allele origin: unknown.
Comment: This variant is considered pathogenic. This variant creates a frameshift predicted to result in premature protein truncation.

Labcorp Genetics (formerly Invitae), Labcorp
Classification: Pathogenic for Hereditary breast ovarian cancer syndrome. Last evaluated: 2019-10-13. Review status: criteria provided, single submitter. Criteria: Invitae Variant Classification Sherloc (09022015). Collection method: clinical testing. Allele origin: germline.
Comment: This sequence change creates a premature translational stop signal (p.Arg2336Alafs*31) in the BRCA2 gene. It is expected to result in an absent or disrupted protein product. This variant is not present in population databases (ExAC no frequency). This variant has not been reported in the literature in individuals with BRCA2-related conditions. Loss-of-function variants in BRCA2 are known to be pathogenic (PMID: 20104584). For these reasons, this variant has been classified as Pathogenic.

Literature cited by the submitters: PubMed 20104584 (cited by Labcorp Genetics (formerly Invitae), Labcorp).

NM_000059.4(BRCA2):c.7005del (p.Arg2336fs)

Gene: BRCA2 (BRCA2 DNA repair associated; plus strand). Cytogenetic location: 13q13.1.
Variant type: Deletion.
Coding change: c.7005del on transcript NM_000059.4 (MANE Select); coding-DNA position 7005, one base deleted (T; older notation c.7005delT).
Protein change: p.Arg2336fs; shifts the reading frame from arginine 2336.
Molecular consequence: frameshift variant.
Genome position (GRCh38, 1-based): chr13:32,346,894, T deleted; the last of 3 consecutive T bases (chr13:32,346,892-32,346,894); deleting any one gives the same sequence. VCF-style (leftmost placement, unchanged base first): chr13-32346891-CT-C. GRCh37 (hg19) VCF-style: chr13-32921028-CT-C.
Other names: short protein forms R2336fs.
Identifiers: ClinVar variation 965384 (VCV000965384.9), dbSNP rs2072615390, ClinGen allele CA1139663154.